The following is an entry in ClinVar:

NM_025137.4(SPG11):c.7187_7211dup (p.Tyr2404Ter)

Gene: SPG11 (SPG11 vesicle trafficking associated, spatacsin; minus strand). Cytogenetic location: 15q21.1.
Variant type: Duplication.
Coding change: c.7187_7211dup on transcript NM_025137.4 (MANE Select); coding-DNA positions 7187 to 7211, 25 bases duplicated (AAAACCTGAAGAAATTACTCACATA).
Protein change: p.Tyr2404Ter; replaces tyrosine 2404 with a stop codon.
Molecular consequence: nonsense.
Genome position (GRCh38, 1-based): chr15:44,563,242-44,563,266, TATGTGAGTAATTTCTTCAGGTTTT duplicated on the plus strand (AAAACCTGAAGAAATTACTCACATA on the coding strand, the reverse complement: SPG11 is on the minus strand). VCF-style (leftmost placement, unchanged base first): chr15-44563241-A-ATATGTGAGTAATTTCTTCAGGTTTT. GRCh37 (hg19) VCF-style: chr15-44855439-A-ATATGTGAGTAATTTCTTCAGGTTTT.
Other names: c.6848_6872dup, p.Tyr2291Ter (NM_001160227.2); short protein forms Y2291*, Y2404*.
Identifiers: ClinVar variation 641384 (VCV000641384.8), dbSNP rs1595812586, ClinGen allele CA915946559.
Genomic context (GRCh38, chr15:44,563,241, plus strand): 5'-TACAATTTCATAAAACTTGTGTTCGTATGCCAACTTGTAATACAGGTAAACATCTTCACA[A>ATATGTGAGTAATTTCTTCAGGTTTT]TATGTGAGTAATTTCTTCAGGTTTTCCATGACCATGTCAGTAGGCTGATGTTGTTTATAT-3'

ClinVar aggregate classification (germline): Uncertain significance (1 of 4 stars; one submission).

Conditions:
Hereditary spastic paraplegia 11. Also called: SPASTIC PARAPLEGIA, AUTOSOMAL RECESSIVE, COMPLICATED, WITH THIN CORPUS CALLOSUM; SPASTIC PARAPLEGIA, AUTOSOMAL RECESSIVE, WITH MENTAL IMPAIRMENT AND THIN CORPUS CALLOSUM; Spastic Paraplegia 11; Nakamura Osame syndrome; Autosomal recessive hereditary spastic paraplegia, mental impairment, and thin corpus callosum; Spastic paraplegia, mental retardation and thin corpus callosum. Identifiers: Orphanet 2822, MedGen C1858479, MONDO:0011445, OMIM 604360.

Submission:

Labcorp Genetics (formerly Invitae), Labcorp
Classification: Uncertain significance for Hereditary spastic paraplegia 11. Last evaluated: 2021-09-01. Review status: criteria provided, single submitter. Criteria: Invitae Variant Classification Sherloc (09022015). Collection method: clinical testing. Allele origin: germline.
Comment: This sequence change creates a premature translational stop signal (p.Tyr2404*) in the SPG11 gene. While this is not anticipated to result in nonsense mediated decay, it is expected to disrupt the last 40 amino acid(s) of the SPG11 protein. This variant is not present in population databases (ExAC no frequency). This variant has not been reported in the literature in individuals affected with SPG11-related conditions. Experimental studies and prediction algorithms are not available or were not evaluated, and the functional significance of this variant is currently unknown. This variant disrupts the C-terminus of the SPG11 protein. Other variant(s) that disrupt this region (p.Glu2417Leufs*9) have been observed in individuals with SPG11-related conditions (Invitae). This suggests that this may be a clinically significant region of the protein. In summary, the available evidence is currently insufficient to determine the role of this variant in disease. Therefore, it has been classified as a Variant of Uncertain Significance.